The following is an entry in ClinVar:

ClinVar aggregate classification (germline): Uncertain significance (1 of 4 stars; one submission).

Conditions:
Transient infantile hypertriglyceridemia and hepatosteatosis. Identifiers: Orphanet 300293, MedGen C3280953, MONDO:0013771, OMIM 614480.

gnomAD v4.1: 1 of 1,613,152 alleles (0.000062%); highest among the groups gnomAD compares: South Asian, 0.0011%; no homozygotes.

Submission:

Neuberg Centre For Genomic Medicine, NCGM
Classification: Uncertain significance for Transient infantile hypertriglyceridemia and hepatosteatosis. Review status: criteria provided, single submitter. Criteria: ACMG Guidelines, 2015. Collection method: clinical testing. Allele origin: germline. Inheritance: Autosomal recessive inheritance. Affected: yes.
Comment: The missense variant p.T302R in GPD1 (NM_005276.4) has not been reported previously as a pathogenic variant nor as a benign variant, to our knowledge. The p.T302R variant is novel (not in any individuals) in gnomAD Exomes and is novel (not in any individuals) in 1000 Genomes. The p.T302R missense variant is predicted to be damaging by both SIFT and PolyPhen2. The threonine residue at codon 302 of GPD1 is conserved in all mammalian species. The nucleotide c.905 in GPD1 is predicted conserved by GERP++ and PhyloP across 100 vertebrates. For these reasons, this variant has been classified as Uncertain Significance.

NM_005276.4(GPD1):c.905C>G (p.Thr302Arg)

Gene: GPD1 (glycerol-3-phosphate dehydrogenase 1; plus strand). Cytogenetic location: 12q13.12.
Variant type: single nucleotide variant.
Coding change: c.905C>G on transcript NM_005276.4 (MANE Select); coding-DNA position 905, C replaced by G.
Protein change: p.Thr302Arg; replaces threonine 302 with arginine.
Molecular consequence: missense variant.
Genome position (GRCh38, 1-based): chr12:50,108,082, C>G. VCF-style: chr12-50108082-C-G. GRCh37 (hg19) VCF-style: chr12-50501865-C-G.
Other names: c.836C>G, p.Thr279Arg (NM_001257199.2); short protein forms T279R, T302R.
Identifiers: ClinVar variation 2627532 (VCV002627532.1), dbSNP rs1289976927, ClinGen allele CA384802745.